The following is an entry in ClinVar:

ClinVar aggregate classification (germline): Uncertain significance. Review status: criteria provided, multiple submitters, no conflicts (2 of 4 stars). 2 submissions from 2 submitters: Uncertain significance (2). Last evaluated 2024-07-19.

Conditions:
Autosomal recessive limb-girdle muscular dystrophy type 2J (LGMDR10). Also called: Limb-girdle muscular dystrophy, type 2J; MUSCULAR DYSTROPHY, LIMB-GIRDLE, AUTOSOMAL RECESSIVE 10. Identifiers: Orphanet 140922, MedGen C1837342, MONDO:0012127, OMIM 608807.
Dilated cardiomyopathy 1G (CMD1G). Identifiers: Orphanet 154, MedGen C1858763, MONDO:0011400, OMIM 604145.

Submissions (2):

GeneDx
Classification: Uncertain significance. Last evaluated: 2024-07-19. Review status: criteria provided, single submitter. Criteria: GeneDx Variant Classification Process June 2021. Collection method: clinical testing. Allele origin: germline. Affected: yes.
Comment: Not observed at significant frequency in large population cohorts (gnomAD); Missense variant in a gene in which most reported pathogenic variants are truncating/loss of function; Has not been previously published as pathogenic or benign to our knowledge

Labcorp Genetics (formerly Invitae), Labcorp
Classification: Uncertain significance for Dilated cardiomyopathy 1G; Autosomal recessive limb-girdle muscular dystrophy type 2J. Last evaluated: 2017-05-16. Review status: criteria provided, single submitter. Criteria: Invitae Variant Classification Sherloc (09022015). Collection method: clinical testing. Allele origin: germline.

NM_001267550.2(TTN):c.32189G>C (p.Arg10730Pro)

Gene: TTN (titin; minus strand). Cytogenetic location: 2q31.2.
Variant type: single nucleotide variant.
Coding change: c.32189G>C on transcript NM_001267550.2 (MANE Select); coding-DNA position 32189, G replaced by C.
Protein change: p.Arg10730Pro; replaces arginine 10730 with proline.
Molecular consequence: missense variant. On other transcripts: intron variant (3).
Genome position (GRCh38, 1-based): chr2:178,688,685, C>G on the plus strand (G>C on the coding strand, the complement: TTN is on the minus strand). VCF-style: chr2-178688685-C-G. GRCh37 (hg19) VCF-style: chr2-179553412-C-G.
Other names: c.32189G>C (NM_001267550.1); c.31238G>C, p.Arg10413Pro (NM_001256850.1); c.28457G>C, p.Arg9486Pro (NM_133378.4); c.13283-46368G>C (NM_003319.4); c.13859-46368G>C (NM_133437.4); c.13658-46368G>C (NM_133432.3); short protein forms R10730P, R9486P, R10413P.
Identifiers: ClinVar variation 467012 (VCV000467012.4), dbSNP rs771054923, ClinGen allele CA349552817.
Genomic context (GRCh38, chr2:178,688,685, plus strand): 5'-CTTTGAGGAAACACACACAAACTCATTTATCCCCTGACTTCCGATTATATACCTTCGTGC[C>G]GCGTGACTTCCACTCTTTGAGGAACTGCGAAGGATAGTTTTTCTTCAGCAACAAATCTCT-3'
Protein context (NP_001254479.2, residues 10720-10740): FAVPQRVEVT[Arg10730Pro]HEVSAEEEWS